The following is an entry in ClinVar:

ClinVar aggregate classification (germline): Conflicting classifications of pathogenicity. Review status: criteria provided, conflicting classifications (1 of 4 stars). 2 submissions from 2 submitters: Pathogenic (1); Uncertain significance (1). Last evaluated 2024-12-09.

Conditions:
Neurofibromatosis, type 1 (NF1). Also called: Neurofibromatosis, type I; VON RECKLINGHAUSEN DISEASE; NEUROFIBROMATOSIS, TYPE I, SOMATIC; Peripheral type neurofibromatosis. Identifiers: Orphanet 636, MedGen C0027831, MONDO:0018975, OMIM 162200. Disease mechanism: loss of function.

Submissions (2):

Labcorp Genetics (formerly Invitae), Labcorp
Classification: Uncertain significance for Neurofibromatosis, type 1. Last evaluated: 2024-12-09. Review status: criteria provided, single submitter. Criteria: Invitae Variant Classification Sherloc (09022015). Collection method: clinical testing. Allele origin: germline.
Comment: This sequence change replaces glutamine, which is neutral and polar, with proline, which is neutral and non-polar, at codon 1188 of the NF1 protein (p.Gln1188Pro). This variant is not present in population databases (gnomAD no frequency). This variant has not been reported in the literature in individuals affected with NF1-related conditions. ClinVar contains an entry for this variant (Variation ID: 419549). Invitae Evidence Modeling of protein sequence and biophysical properties (such as structural, functional, and spatial information, amino acid conservation, physicochemical variation, residue mobility, and thermodynamic stability) indicates that this missense variant is expected to disrupt NF1 protein function with a positive predictive value of 95%. In summary, the available evidence is currently insufficient to determine the role of this variant in disease. Therefore, it has been classified as a Variant of Uncertain Significance.

GeneDx
Classification: Pathogenic. Last evaluated: 2015-08-13. Review status: criteria provided, single submitter. Criteria: GeneDx Variant Classification (06012015). Collection method: clinical testing. Allele origin: germline. Affected: yes.
Comment: The Q1188P substitution in the NF1 gene has not been reported previously as a pathogenic variant noras a benign polymorphism, to our knowledge. The Q1188P variant was not observed in approximately6,500 individuals of European and African American ancestry in the NHLBI Exome Sequencing Project,indicating it is not a common benign variant in these populations. The Q1188P variant is a non-conservativeamino acid substitution, which is likely to impact secondary protein structure as these residues differ inpolarity, charge, size and/or other properties. This substitution occurs at a position that is conserved acrossspecies. In silico analysis predicts this variant is probably damaging to the protein structure/function.Missense variants in nearby residues (L1183R, L1187P, Q1189R, G1190S, T1191K, T1191R, andF1193C) have been reported in the Human Gene Mutation Database in association with neurofibromatosistype 1 (Stenson et al., 2014), supporting the functional importance of this region of the protein. Weinterpret Q1188P as a pathogenic variant.

NM_001042492.3(NF1):c.3563A>C (p.Gln1188Pro)

Gene: NF1 (neurofibromin 1; plus strand). Cytogenetic location: 17q11.2.
Variant type: single nucleotide variant.
Coding change: c.3563A>C on transcript NM_001042492.3 (MANE Select); coding-DNA position 3563, A replaced by C.
Protein change: p.Gln1188Pro; replaces glutamine 1188 with proline.
Molecular consequence: missense variant.
Genome position (GRCh38, 1-based): chr17:31,233,068, A>C. VCF-style: chr17-31233068-A-C. GRCh37 (hg19) VCF-style: chr17-29560086-A-C.
Other names: c.3563A>C, p.Gln1188Pro (NM_000267.4); short protein forms Q1188P.
Identifiers: ClinVar variation 419549 (VCV000419549.4), dbSNP rs758419553, ClinGen allele CA16620365.